The following is an entry in ClinVar:

ClinVar aggregate classification (germline): Uncertain significance (1 of 4 stars; one submission).

Conditions:
Hereditary diffuse gastric adenocarcinoma (HDGC). Also called: DIFFUSE GASTRIC AND LOBULAR BREAST CANCER SYNDROME. Identifiers: Orphanet 26106, MedGen C1708349, MONDO:0007648, OMIM 137215.

Allele frequency attached by ClinVar (database versions not stated): TOPMed below 0.00001.

Submission:

Labcorp Genetics (formerly Invitae), Labcorp
Classification: Uncertain significance for Hereditary diffuse gastric adenocarcinoma. Last evaluated: 2025-02-17. Review status: criteria provided, single submitter. Criteria: Invitae Variant Classification Sherloc (09022015). Collection method: clinical testing. Allele origin: germline.
Comment: This sequence change replaces glutamine, which is neutral and polar, with arginine, which is basic and polar, at codon 771 of the CDH1 protein (p.Gln771Arg). This variant is not present in population databases (gnomAD no frequency). This variant has not been reported in the literature in individuals affected with CDH1-related conditions. ClinVar contains an entry for this variant (Variation ID: 1024369). An algorithm developed to predict the effect of missense changes on protein structure and function (PolyPhen-2) suggests that this variant is likely to be disruptive. In summary, the available evidence is currently insufficient to determine the role of this variant in disease. Therefore, it has been classified as a Variant of Uncertain Significance.

NM_004360.5(CDH1):c.2312A>G (p.Gln771Arg)

Gene: CDH1 (cadherin 1; plus strand). Cytogenetic location: 16q22.1.
Variant type: single nucleotide variant.
Coding change: c.2312A>G on transcript NM_004360.5 (MANE Select); coding-DNA position 2312, A replaced by G.
Protein change: p.Gln771Arg; replaces glutamine 771 with arginine.
Molecular consequence: missense variant.
Genome position (GRCh38, 1-based): chr16:68,829,670, A>G. VCF-style: chr16-68829670-A-G. GRCh37 (hg19) VCF-style: chr16-68863573-A-G.
Other names: c.2129A>G, p.Gln710Arg (NM_001317184.2); c.764A>G, p.Gln255Arg (NM_001317185.2); c.347A>G, p.Gln116Arg (NM_001317186.2); short protein forms Q116R, Q255R, Q710R, Q771R.
Identifiers: ClinVar variation 1024369 (VCV001024369.9), dbSNP rs1182000968, ClinGen allele CA396470824.
Genomic context (GRCh38, chr16:68,829,670, plus strand): 5'-TTCTTTCCTACTCTTCATTGTACTTCAACCTTTTTTCTCCAAAGGACTTTGACTTGAGCC[A>G]GCTGCACAGGGGCCTGGACGCTCGGCCTGAAGTGACTCGTAACGACGTTGCACCAACCCT-3'
Protein context (NP_004351.1, residues 761-781): GEEDQDFDLS[Gln771Arg]LHRGLDARPE